The following is an entry in ClinVar:

ClinVar aggregate classification (germline): Uncertain significance (1 of 4 stars; one submission).

Conditions:
Regional enteritis. Also called: Enteritis, Granulomatous. Identifiers: MedGen C0678202, MeSH D003424.
Blau syndrome (BLAUS). Also called: ARTHROCUTANEOUVEAL GRANULOMATOSIS; GRANULOMATOSIS, FAMILIAL JUVENILE SYSTEMIC; GRANULOMATOSIS, FAMILIAL, BLAU TYPE; GRANULOMATOUS INFLAMMATORY ARTHRITIS, DERMATITIS, AND UVEITIS, FAMILIAL; JABS SYNDROME. Identifiers: Orphanet 90340, MedGen C5201146, MONDO:0008523, OMIM 186580.

Submission:

Labcorp Genetics (formerly Invitae), Labcorp
Classification: Uncertain significance for Regional enteritis; Blau syndrome. Last evaluated: 2025-02-25. Review status: criteria provided, single submitter. Criteria: Invitae Variant Classification Sherloc (09022015). Collection method: clinical testing. Allele origin: germline.
Comment: This sequence change replaces leucine, which is neutral and non-polar, with phenylalanine, which is neutral and non-polar, at codon 835 of the NOD2 protein (p.Leu835Phe). This variant is not present in population databases (gnomAD no frequency). This variant has not been reported in the literature in individuals affected with NOD2-related conditions. Invitae Evidence Modeling of protein sequence and biophysical properties (such as structural, functional, and spatial information, amino acid conservation, physicochemical variation, residue mobility, and thermodynamic stability) has been performed for this missense variant. However, the output from this modeling did not meet the statistical confidence thresholds required to predict the impact of this variant on NOD2 protein function. In summary, the available evidence is currently insufficient to determine the role of this variant in disease. Therefore, it has been classified as a Variant of Uncertain Significance.

NM_001370466.1(NOD2):c.2422C>T (p.Leu808Phe)

Gene: NOD2 (nucleotide binding oligomerization domain containing 2; plus strand). Cytogenetic location: 16q12.1.
Variant type: single nucleotide variant.
Coding change: c.2422C>T on transcript NM_001370466.1 (MANE Select); coding-DNA position 2422, C replaced by T.
Protein change: p.Leu808Phe; replaces leucine 808 with phenylalanine.
Molecular consequence: missense variant. On other transcripts: non-coding transcript variant (1).
Genome position (GRCh38, 1-based): chr16:50,716,627, C>T. VCF-style: chr16-50716627-C-T. GRCh37 (hg19) VCF-style: chr16-50750538-C-T.
Other names: c.2422C>T, p.Leu808Phe (NM_001293557.2); c.2503C>T, p.Leu835Phe (NM_022162.3); short protein forms L808F, L835F.
Identifiers: ClinVar variation 4791741 (VCV004791741.1).
Genomic context (GRCh38, chr16:50,716,627, plus strand): 5'-TATTTATTTTGTCTCTTTAGTTTGCGCGATAACAATATCTCAGACCGAGGCATCTGCAAG[C>T]TCATTGAATGTGCTCTTCACTGCGAGCAATTGCAGAAGTTAGCGTAAGTCAGCCTGGGCT-3'
Protein context (NP_001357395.1, residues 798-818): NNISDRGICK[Leu808Phe]IECALHCEQL